The following is an entry in ClinVar:

ClinVar aggregate classification (germline): Conflicting classifications of pathogenicity. Review status: criteria provided, conflicting classifications (1 of 4 stars). 9 submissions from 9 submitters: Uncertain significance (5); Benign (1); Likely benign (1). 2 of the submissions do not count toward it. Last evaluated 2026-01-25.

Conditions:
PKHD1-related disorder. Also called: PKHD1-related condition.
Polycystic kidney disease 4 (PKD4). Also called: Autosomal Recessive Polycystic Kidney Disease – PKHD1; PKD3; POLYCYSTIC KIDNEY DISEASE 4 WITH OR WITHOUT POLYCYSTIC LIVER DISEASE; POLYCYSTIC KIDNEY AND HEPATIC DISEASE 1; POLYCYSTIC KIDNEY DISEASE, INFANTILE, TYPE I. Identifiers: MedGen C4540575, MONDO:0033004, OMIM 263200.
Autosomal recessive polycystic kidney disease (ARPKD). Also called: AR polycystic kidney disease. Identifiers: Orphanet 731, Orphanet 8378, MedGen C0085548, MeSH D017044, MONDO:0009889.
Moyamoya disease. Also called: Moyamoya syndrome. Identifiers: Orphanet 2573, MedGen C0026654, MeSH D009072, MONDO:0016820.

Allele frequency attached by ClinVar (database versions not stated): gnomAD 0.00006; TOPMed 0.00010; 1000 Genomes Project 30x 0.00141; 1000 Genomes Project 0.00180.
gnomAD v4.1: 1,220 of 1,614,094 alleles (0.076%); highest among the groups gnomAD compares: East Asian, 2.7%; 37 homozygotes.

Submissions (9):

Labcorp Genetics (formerly Invitae), Labcorp
Classification: Likely benign for Autosomal recessive polycystic kidney disease. Last evaluated: 2026-01-25. Review status: criteria provided, single submitter. Criteria: Invitae Variant Classification Sherloc (09022015). Collection method: clinical testing. Allele origin: germline.

Department of Neurosurgery, The University of Tokyo
Classification: Uncertain significance for Moyamoya disease. Last evaluated: 2025-10-17. Review status: criteria provided, single submitter. Criteria: ACMG Guidelines, 2015. Collection method: research. Allele origin: germline. Affected: yes.
Comment: We apply ACMG/AMP 2015 (PMID: 25741868). This variant was identified in a research cohort of Moyamoya disease (MMD) patients (N = 122). PKHD1 currently lacks an established gene–disease relationship for MMD; therefore, no case/segregation/functional evidence supports pathogenicity for this phenotype. The allele is very rare in gnomAD v3 (AF = 9.77E-05) → considered for PM2_supporting. No published MMD cases with this variant were found. No segregation or functional data. In silico predictions [CADD = 26.1, MetaSVM = D, SIFT = D] are supportive; computational evidence alone is insufficient. Benign frequency thresholds (BA1/BS1) are not met; BS2/BS3 not met. Overall, evidence is insufficient to classify as pathogenic or benign → Uncertain significance (VUS).

PreventionGenetics, part of Exact Sciences
Classification: Uncertain significance for PKHD1-related condition. Last evaluated: 2025-06-13. Review status: criteria provided, single submitter. Criteria: ACMG Guidelines, 2015. Collection method: clinical testing. Allele origin: germline.
Comment: The PKHD1 c.9629C>G variant is predicted to result in the amino acid substitution p.Ser3210Cys. This variant was reported in the heterozygous state in one patient with nephronophthisis-related ciliopathy (Kang et al. 2016. PubMed ID: 27491411) and found in another patient with isolated polycystic liver disease (Besse et al. 2017. PubMed ID: 28862642, see Table S7). This variant is reported in 0.23% of alleles in individuals of East Asian descent in gnomAD, including one homozygous individual. This population data is likely too frequent to be consistent with pathogenicity of this variant. Although we suspect that this variant may be benign, at this time, the clinical significance of this variant is uncertain due to the absence of conclusive functional and genetic evidence.

GeneDx
Classification: Uncertain significance. Last evaluated: 2024-02-26. Review status: criteria provided, single submitter. Criteria: GeneDx Variant Classification Process June 2021. Collection method: clinical testing. Allele origin: germline. Affected: yes.
Comment: In silico analysis supports that this missense variant has a deleterious effect on protein structure/function; This variant is associated with the following publications: (PMID: 27491411, 31308072, 36833371, 26139440)

Fulgent Genetics
Classification: Uncertain significance for Polycystic kidney disease 4. Last evaluated: 2024-01-10. Review status: criteria provided, single submitter. Criteria: ACMG Guidelines, 2015. Collection method: clinical testing. Allele origin: germline.

Revvity Omics, Revvity
Classification: Uncertain significance for Polycystic kidney disease 4. Last evaluated: 2019-12-26. Review status: criteria provided, single submitter. Criteria: ACMG Guidelines, 2015. Collection method: clinical testing. Allele origin: germline.

Illumina Laboratory Services, Illumina
Classification: Benign for Polycystic kidney disease 4. Last evaluated: 2017-04-27. Review status: criteria provided, single submitter. Criteria: ICSL Variant Classification Criteria 13 December 2019. Collection method: clinical testing. Allele origin: germline.
Comment: This variant was observed as part of a predisposition screen in an ostensibly healthy population. A literature search was performed for the gene, cDNA change, and amino acid change (where applicable). Publications were found based on this search. The evidence from the literature, in combination with allele frequency data from public databases where available, was sufficient to rule this variant out of causing disease. Therefore, this variant is classified as benign.

Natera, Inc.
Classification: Likely benign for Autosomal recessive polycystic kidney disease. Last evaluated: 2020-01-08. Review status: no assertion criteria provided. Collection method: clinical testing. Allele origin: germline. Not counted in ClinVar's aggregate classification.

Counsyl
Classification: Uncertain significance for Polycystic kidney disease 4. Last evaluated: 2017-01-06. Review status: no assertion criteria provided. Collection method: clinical testing. Allele origin: unknown. Not counted in ClinVar's aggregate classification.

Literature cited by the submitters: PubMed 26139440 (cited by Illumina Laboratory Services, Illumina).

NM_138694.4(PKHD1):c.9629C>G (p.Ser3210Cys)

Gene: PKHD1 (PKHD1 ciliary IPT domain containing fibrocystin/polyductin; minus strand). Cytogenetic location: 6p12.3.
Variant type: single nucleotide variant.
Coding change: c.9629C>G on transcript NM_138694.4 (MANE Select); coding-DNA position 9629, C replaced by G.
Protein change: p.Ser3210Cys; replaces serine 3210 with cysteine.
Molecular consequence: missense variant.
Genome position (GRCh38, 1-based): chr6:51,747,987, G>C on the plus strand (C>G on the coding strand, the complement: PKHD1 is on the minus strand). VCF-style: chr6-51747987-G-C. GRCh37 (hg19) VCF-style: chr6-51612785-G-C.
Other names: c.9629C>G, p.Ser3210Cys (NM_170724.3); short protein forms S3210C.
Identifiers: ClinVar variation 550124 (VCV000550124.23), dbSNP rs141081295, ClinGen allele CA3851361.